The following is an entry in ClinVar:

NM_005869.4(CWC27):c.750-5dup

Gene: CWC27 (CWC27 spliceosome associated cyclophilin; plus strand). Cytogenetic location: 5q12.3.
Variant type: Duplication.
Coding change: c.750-5dup on transcript NM_005869.4 (MANE Select); 5 bases into the intron before coding-DNA position 750, one base duplicated (T; older notation c.750-5dupT).
Molecular consequence: intron variant.
Genome position (GRCh38, 1-based): chr5:64,801,297, T duplicated; the last of 8 consecutive T bases (chr5:64,801,290-64,801,297); duplicating any one gives the same sequence. VCF-style (leftmost placement, unchanged base first): chr5-64801289-A-AT. GRCh37 (hg19) VCF-style: chr5-64097116-A-AT.
Other names: c.750-5dup (NM_001297644.1, NM_001364478.1, NM_001318000.2 and 1 more transcripts); c.750-5dupT (NM_005869.3).
Identifiers: ClinVar variation 1600075 (VCV001600075.9), dbSNP rs771898756, ClinGen allele CA3282081.
Genomic context (GRCh38, chr5:64,801,289, plus strand): 5'-ATTTTTGGGTTACAAAATAATTGTGTTAGTTTTACCTTGAAACTAAAATTTGTTTTGCTT[A>AT]TTTTTTTTATAGTGAAAAAGGTGATGCACCAGATTTAGTTGATGTAAGTATTTATTTTGG-3'

ClinVar aggregate classification (germline): Benign/Likely benign. Review status: criteria provided, multiple submitters, no conflicts (2 of 4 stars). 2 submissions from 2 submitters: Benign (1); Likely benign (1). Last evaluated 2025-04-22.

Conditions:
CWC27-related disorder. Also called: CWC27-related condition.

Submissions (2):

Labcorp Genetics (formerly Invitae), Labcorp
Classification: Benign. Last evaluated: 2025-04-22. Review status: criteria provided, single submitter. Criteria: Invitae Variant Classification Sherloc (09022015). Collection method: clinical testing. Allele origin: germline.

PreventionGenetics, part of Exact Sciences
Classification: Likely benign for CWC27-related condition. Last evaluated: 2025-03-03. Review status: criteria provided, single submitter. Criteria: ACMG Guidelines, 2015. Collection method: clinical testing. Allele origin: germline.
Comment: This variant is classified as likely benign based on ACMG/AMP sequence variant interpretation guidelines (Richards et al. 2015 PMID: 25741868, with internal and published modifications).